The following is an entry in ClinVar:

ClinVar aggregate classification (germline): Uncertain significance. Review status: criteria provided, multiple submitters, no conflicts (2 of 4 stars). 2 submissions from 2 submitters: Uncertain significance (2). Last evaluated 2023-04-12.

Conditions:
Hereditary cancer-predisposing syndrome. Also called: Neoplastic Syndromes, Hereditary; Hereditary Cancer Syndrome; Tumor predisposition; Hereditary neoplastic syndrome. Identifiers: Orphanet 140162, MedGen C0027672, MeSH D009386, MONDO:0015356.
Neuroblastoma, susceptibility to, 3. Also called: ALK-Related Neuroblastic Tumor Susceptibility. Identifiers: Orphanet 635, MedGen C2751681, MONDO:0013083, OMIM 613014.

Allele frequency attached by ClinVar (database versions not stated): gnomAD exomes 0.00001; ExAC 0.00002.
gnomAD v4.1: 5 of 1,614,060 alleles (0.00031%); highest among the groups gnomAD compares: South Asian, 0.0022%; no homozygotes.

Submissions (2):

Labcorp Genetics (formerly Invitae), Labcorp
Classification: Uncertain significance for Neuroblastoma, susceptibility to, 3. Last evaluated: 2023-04-12. Review status: criteria provided, single submitter. Criteria: Invitae Variant Classification Sherloc (09022015). Collection method: clinical testing. Allele origin: germline.
Comment: In summary, the available evidence is currently insufficient to determine the role of this variant in disease. Therefore, it has been classified as a Variant of Uncertain Significance. An algorithm developed to predict the effect of missense changes on protein structure and function (PolyPhen-2) suggests that this variant is likely to be disruptive. ClinVar contains an entry for this variant (Variation ID: 1692788). This variant has not been reported in the literature in individuals affected with ALK-related conditions. This variant is present in population databases (rs762417760, gnomAD 0.006%). This sequence change replaces proline, which is neutral and non-polar, with serine, which is neutral and polar, at codon 278 of the ALK protein (p.Pro278Ser).

Sema4
Classification: Uncertain significance for Hereditary cancer-predisposing syndrome. Last evaluated: 2022-03-18. Review status: criteria provided, single submitter. Criteria: Sema4 Curation Guidelines. Collection method: curation. Allele origin: germline.
Comment: The ALK c.832C>T (p.P278S) variant has not been reported in the literature to our knowledge. It was observed in 2/30616 chromosomes of the South Asian subpopulation in the large and broad cohorts of the Genome Aggregation Database (PMID: 32461654). This variant has not been reported in ClinVar. Functional studies have not been performed, and in silico predictions of the variant's effect on protein function are inconclusive. The evidence is insufficient to meet ACMG/AMP criteria for classifying the variant as benign or pathogenic. Thus, the clinical significance of this variant is currently uncertain.

NM_004304.5(ALK):c.832C>T (p.Pro278Ser)

Gene: ALK (ALK receptor tyrosine kinase; minus strand). Cytogenetic location: 2p23.2.
Variant type: single nucleotide variant.
Coding change: c.832C>T on transcript NM_004304.5 (MANE Select); coding-DNA position 832, C replaced by T.
Protein change: p.Pro278Ser; replaces proline 278 with serine.
Molecular consequence: missense variant.
Genome position (GRCh38, 1-based): chr2:29,694,970, G>A on the plus strand (C>T on the coding strand, the complement: ALK is on the minus strand). VCF-style: chr2-29694970-G-A. GRCh37 (hg19) VCF-style: chr2-29917836-G-A.
Other names: short protein forms P278S.
Identifiers: ClinVar variation 1692788 (VCV001692788.4), dbSNP rs762417760, ClinGen allele CA1594840.